The following is an entry in ClinVar:

ClinVar aggregate classification (germline): Uncertain significance (1 of 4 stars; one submission).

Conditions:
Hereditary cancer-predisposing syndrome. Also called: Hereditary Cancer Syndrome; Hereditary neoplastic syndrome; Neoplastic Syndromes, Hereditary; Tumor predisposition. Identifiers: Orphanet 140162, MedGen C0027672, MeSH D009386, MONDO:0015356.

Submission:

Ambry Genetics
Classification: Uncertain significance for Hereditary cancer-predisposing syndrome. Last evaluated: 2022-02-07. Review status: criteria provided, single submitter. Criteria: Ambry Variant Classification Scheme 2023. Collection method: clinical testing. Allele origin: germline.
Comment: The p.L19M variant (also known as c.55C>A), located in coding exon 1 of the RET gene, results from a C to A substitution at nucleotide position 55. The leucine at codon 19 is replaced by methionine, an amino acid with highly similar properties. This amino acid position is conserved. In addition, the in silico prediction for this alteration is inconclusive. Since supporting evidence is limited at this time, the clinical significance of this alteration remains unclear.

NM_020975.6(RET):c.55C>A (p.Leu19Met)

Gene: RET (ret proto-oncogene; plus strand). Cytogenetic location: 10q11.21.
Variant type: single nucleotide variant.
Coding change: c.55C>A on transcript NM_020975.6 (MANE Select); coding-DNA position 55, C replaced by A.
Protein change: p.Leu19Met; replaces leucine 19 with methionine.
Molecular consequence: missense variant.
Genome position (GRCh38, 1-based): chr10:43,077,313, C>A. VCF-style: chr10-43077313-C-A. GRCh37 (hg19) VCF-style: chr10-43572761-C-A.
Other names: c.55C>A, p.Leu19Met (NM_000323.2, NM_001406743.1, NM_001406744.1 and 38 more transcripts); short protein forms L19M.
Identifiers: ClinVar variation 1748549 (VCV001748549.2), dbSNP rs2132499024, ClinGen allele CA376768095.